The following is an entry in ClinVar:

ClinVar aggregate classification (germline): Uncertain significance (1 of 4 stars; one submission).

Submission:

GeneDx
Classification: Uncertain significance. Last evaluated: 2024-06-26. Review status: criteria provided, single submitter. Criteria: GeneDx Variant Classification Process June 2021. Collection method: clinical testing. Allele origin: germline. Affected: yes.
Comment: Has not been previously published as pathogenic or benign to our knowledge; Not observed at significant frequency in large population cohorts (gnomAD); Not located in the triple helical region, where the majority of pathogenic missense variants occur (HGMD; PMID: 25240749); In silico analysis supports that this missense variant has a deleterious effect on protein structure/function; Reported using an alternate transcript of the gene; This variant is associated with the following publications: (PMID: 25240749)

NM_001854.4(COL11A1):c.898-272A>T

Gene: COL11A1 (collagen type XI alpha 1 chain; minus strand). Cytogenetic location: 1p21.1.
Variant type: single nucleotide variant.
Coding change: c.898-272A>T on transcript NM_001854.4 (MANE Select); 272 bases into the intron before coding-DNA position 898, A replaced by T.
Molecular consequence: intron variant. On other transcripts: missense variant (1).
Genome position (GRCh38, 1-based): chr1:103,025,885, T>A on the plus strand (A>T on the coding strand, the complement: COL11A1 is on the minus strand). VCF-style: chr1-103025885-T-A. GRCh37 (hg19) VCF-style: chr1-103491441-T-A.
Other names: c.848A>T, p.Lys283Met (NM_080629.3); c.781-272A>T (NM_001190709.2); c.897+331A>T (NM_080630.4); short protein forms K283M.
Identifiers: ClinVar variation 3392882 (VCV003392882.1).